The following is an entry in ClinVar:

NM_003118.4(SPARC):c.487T>A (p.Phe163Ile)

Gene: SPARC (secreted protein acidic and cysteine rich; minus strand). Cytogenetic location: 5q33.1.
Variant type: single nucleotide variant.
Coding change: c.487T>A on transcript NM_003118.4 (MANE Select); coding-DNA position 487, T replaced by A.
Protein change: p.Phe163Ile; replaces phenylalanine 163 with isoleucine.
Molecular consequence: missense variant.
Genome position (GRCh38, 1-based): chr5:151,667,565, A>T on the plus strand (T>A on the coding strand, the complement: SPARC is on the minus strand). VCF-style: chr5-151667565-A-T. GRCh37 (hg19) VCF-style: chr5-151047126-A-T.
Other names: c.484T>A, p.Phe162Ile (NM_001309443.2); c.487T>A, p.Phe163Ile (NM_001309444.2); short protein forms F163I, F162I.
Identifiers: ClinVar variation 2133844 (VCV002133844.5), dbSNP rs1179012244, ClinGen allele CA361832493.
Genomic context (GRCh38, chr5:151,667,565, plus strand): 5'-CATCCCTCTCATACAGGGTGACCAGGACGTTCTTGAGCCAGTCCCGCATGCGCAGGGGGA[A>T]TTCGGTCAGCTCAGAGTCCAGGCAAGGGGGGATGTCTAGGTTCCAAACACAAGGGCGGTC-3'
Protein context (NP_003109.1, residues 153-173): PPCLDSELTE[Phe163Ile]PLRMRDWLKN

ClinVar aggregate classification (germline): Uncertain significance. Review status: criteria provided, multiple submitters, no conflicts (2 of 4 stars). 2 submissions from 2 submitters: Uncertain significance (2). Last evaluated 2026-01-13.

Submissions (2):

Women's Health and Genetics/Laboratory Corporation of America, LabCorp
Classification: Uncertain significance. Last evaluated: 2026-01-13. Review status: criteria provided, single submitter. Criteria: LabCorp Variant Classification Summary - May 2015. Collection method: clinical testing. Allele origin: germline.
Comment: Variant summary: SPARC c.487T>A (p.Phe163Ile) results in a non-conservative amino acid change in the encoded protein sequence. Algorithms developed to predict the effect of missense changes on protein structure and function are either unavailable or do not agree on the potential impact of this missense change. The variant was absent in 251316 control chromosomes. The available data on variant occurrences in the general population are insufficient to allow any conclusion about variant significance. To our knowledge, no occurrence of c.487T>A in individuals affected with SPARC-related conditions and no experimental evidence demonstrating its impact on protein function have been reported. ClinVar contains an entry for this variant (Variation ID: 2133844). Based on the evidence outlined above, the variant was classified as uncertain significance.

Labcorp Genetics (formerly Invitae), Labcorp
Classification: Uncertain significance. Last evaluated: 2022-06-15. Review status: criteria provided, single submitter. Criteria: Invitae Variant Classification Sherloc (09022015). Collection method: clinical testing. Allele origin: germline.
Comment: In summary, the available evidence is currently insufficient to determine the role of this variant in disease. Therefore, it has been classified as a Variant of Uncertain Significance. Algorithms developed to predict the effect of missense changes on protein structure and function are either unavailable or do not agree on the potential impact of this missense change (SIFT: "Deleterious"; PolyPhen-2: "Probably Damaging"; Align-GVGD: "Class C15"). This variant has not been reported in the literature in individuals affected with SPARC-related conditions. This variant is not present in population databases (gnomAD no frequency). This sequence change replaces phenylalanine, which is neutral and non-polar, with isoleucine, which is neutral and non-polar, at codon 163 of the SPARC protein (p.Phe163Ile).